The following is an entry in ClinVar:

ClinVar aggregate classification (germline): Uncertain significance. Review status: criteria provided, multiple submitters, no conflicts (2 of 4 stars). 5 submissions from 5 submitters: Uncertain significance (5). Last evaluated 2026-03-09.

Conditions:
TMEM67-related disorder. Also called: TMEM67-related condition; TMEM67-related disorders. Identifiers: MedGen CN239423.
Meckel-Gruber syndrome. Also called: DYSENCEPHALIA SPLANCHNOCYSTICA; GRUBER SYNDROME; Dysencephalia splachnocystica. Identifiers: Orphanet 564, MedGen C0265215, MONDO:0018921.
Joubert syndrome. Also called: JOUBERT-BOLTSHAUSER SYNDROME; Familial aplasia of the vermis. Identifiers: Orphanet 475, MedGen C5979921, MONDO:0018772.
Nephronophthisis 11 (NPHP11). Identifiers: Orphanet 84081, MedGen C3150796, MONDO:0013302, OMIM 613550.
Joubert syndrome 6 (JBTS6). Identifiers: Orphanet 475, MedGen C1853153, MONDO:0012539, OMIM 610688.
RHYNS syndrome. Also called: RETINITIS PIGMENTOSA SYNDROME; RETINITIS PIGMENTOSA, HYPOPITUITARISM, NEPHRONOPHTHISIS, AND MILD SKELETAL DYSPLASIA. Identifiers: Orphanet 140976, MedGen C1865794, MONDO:0011202, OMIM 602152.
COACH syndrome 1. Identifiers: Orphanet 1454, MedGen C5435651, MONDO:0800103, OMIM 216360, MONDO:0008996.
Bardet-Biedl syndrome 14 (BBS14). Identifiers: Orphanet 110, MedGen C2673874, MONDO:0014442, OMIM 615991.
Meckel syndrome, type 3 (MKS3). Also called: MECKEL-GRUBER SYNDROME, TYPE 3. Identifiers: Orphanet 564, MedGen C1846357, MONDO:0011821, OMIM 607361.
Inborn genetic diseases. Identifiers: MedGen C0950123, MeSH D030342.

Allele frequency attached by ClinVar (database versions not stated): gnomAD exomes below 0.00001 and 0.00001; ExAC 0.00001; TOPMed 0.00002.
gnomAD v4.1: 20 of 1,613,930 alleles (0.0012%); highest among the groups gnomAD compares: South Asian, 0.0044%; no homozygotes.

Submissions (5):

PreventionGenetics, part of Exact Sciences
Classification: Uncertain significance for TMEM67-related condition. Last evaluated: 2026-03-09. Review status: criteria provided, single submitter. Criteria: ACMG Guidelines, 2015. Collection method: clinical testing. Allele origin: germline.
Comment: The TMEM67 c.848C>T variant is predicted to result in the amino acid substitution p.Thr283Ile. To our knowledge, this variant has not been reported in the literature. This variant is reported in 0.00088% of alleles in individuals of European (Non-Finnish) descent in gnomAD. At this time, the clinical significance of this variant is uncertain due to the absence of conclusive functional and genetic evidence.

Ambry Genetics
Classification: Uncertain significance for Inborn genetic diseases. Last evaluated: 2025-04-11. Review status: criteria provided, single submitter. Criteria: Ambry Variant Classification Scheme 2023. Collection method: clinical testing. Allele origin: germline.

Fulgent Genetics
Classification: Uncertain significance for COACH syndrome 1; RHYNS syndrome; Meckel syndrome, type 3; Joubert syndrome 6; Nephronophthisis 11; Bardet-Biedl syndrome 14. Last evaluated: 2024-06-24. Review status: criteria provided, single submitter. Criteria: ACMG Guidelines, 2015. Collection method: clinical testing. Allele origin: germline.

Labcorp Genetics (formerly Invitae), Labcorp
Classification: Uncertain significance for Joubert syndrome; Meckel-Gruber syndrome. Last evaluated: 2024-02-05. Review status: criteria provided, single submitter. Criteria: Invitae Variant Classification Sherloc (09022015). Collection method: clinical testing. Allele origin: germline.
Comment: This sequence change replaces threonine, which is neutral and polar, with isoleucine, which is neutral and non-polar, at codon 283 of the TMEM67 protein (p.Thr283Ile). This variant is present in population databases (rs747533371, gnomAD 0.0009%). This variant has not been reported in the literature in individuals affected with TMEM67-related conditions. ClinVar contains an entry for this variant (Variation ID: 1314480). Algorithms developed to predict the effect of missense changes on protein structure and function output the following: SIFT: "Not Available"; PolyPhen-2: "Benign"; Align-GVGD: "Not Available". The isoleucine amino acid residue is found in multiple mammalian species, which suggests that this missense change does not adversely affect protein function. In summary, the available evidence is currently insufficient to determine the role of this variant in disease. Therefore, it has been classified as a Variant of Uncertain Significance.

GeneDx
Classification: Uncertain significance. Last evaluated: 2021-04-13. Review status: criteria provided, single submitter. Criteria: GeneDx Variant Classification Process June 2021. Collection method: clinical testing. Allele origin: germline. Affected: yes.
Comment: Not observed at a significant frequency in large population cohorts (Lek et al., 2016); In silico analysis supports that this missense variant does not alter protein structure/function; Has not been previously published as pathogenic or benign to our knowledge

NM_153704.6(TMEM67):c.848C>T (p.Thr283Ile)

Gene: TMEM67 (transmembrane protein 67; plus strand). Cytogenetic location: 8q22.1.
Variant type: single nucleotide variant.
Coding change: c.848C>T on transcript NM_153704.6 (MANE Select); coding-DNA position 848, C replaced by T.
Protein change: p.Thr283Ile; replaces threonine 283 with isoleucine.
Molecular consequence: missense variant. On other transcripts: non-coding transcript variant (1).
Genome position (GRCh38, 1-based): chr8:93,780,726, C>T. VCF-style: chr8-93780726-C-T. GRCh37 (hg19) VCF-style: chr8-94792954-C-T.
Other names: c.605C>T, p.Thr202Ile (NM_001142301.1); short protein forms T202I, T283I.
Identifiers: ClinVar variation 1314480 (VCV001314480.10), dbSNP rs747533371, ClinGen allele CA4807778.